The following is an entry in ClinVar:

ClinVar aggregate classification (germline): Likely benign. Review status: criteria provided, multiple submitters, no conflicts (2 of 4 stars). 4 submissions from 4 submitters: Likely benign (4). Last evaluated 2026-04-01.

Conditions:
Myofibrillar myopathy 5. Also called: Filaminopathy (type); FILAMINOPATHY, AUTOSOMAL DOMINANT. Identifiers: Orphanet 171445, MedGen C1836050, MONDO:0012289, OMIM 609524.
Distal myopathy with posterior leg and anterior hand involvement. Also called: WILLIAMS DISTAL MYOPATHY. Identifiers: Orphanet 63273, MedGen C3279722, MONDO:0013550, OMIM 614065.
Hypertrophic cardiomyopathy 26. Also called: Cardiomyopathy, familial hypertrophic, 26. Identifiers: Orphanet 75249, MedGen C4310749, MONDO:0014883, OMIM 617047.

Allele frequency attached by ClinVar (database versions not stated): 1000 Genomes Project 30x 0.00016; 1000 Genomes Project 0.00020.
gnomAD v4.1: 74 of 1,613,750 alleles (0.0046%); highest among the groups gnomAD compares: South Asian, 0.0088%; no homozygotes.

Submissions (4):

CeGaT Center for Human Genetics Tuebingen
Classification: Likely benign. Last evaluated: 2026-04-01. Review status: criteria provided, single submitter. Criteria: CeGaT Center For Human Genetics Tuebingen Variant Classification Criteria Version 2. Collection method: clinical testing. Allele origin: germline. Affected: yes. Observed: 1 variant allele.
Comment: FLNC: BP4

Labcorp Genetics (formerly Invitae), Labcorp
Classification: Likely benign for Distal myopathy with posterior leg and anterior hand involvement; Myofibrillar myopathy 5; Hypertrophic cardiomyopathy 26. Last evaluated: 2026-01-27. Review status: criteria provided, single submitter. Criteria: Invitae Variant Classification Sherloc (09022015). Collection method: clinical testing. Allele origin: germline.

Blueprint Genetics
Classification: Likely benign. Last evaluated: 2024-01-05. Review status: criteria provided, single submitter. Criteria: ACMG Guidelines, 2015. Collection method: clinical testing. Allele origin: germline.

Fulgent Genetics
Classification: Likely benign for Myofibrillar myopathy 5; Distal myopathy with posterior leg and anterior hand involvement; Hypertrophic cardiomyopathy 26. Last evaluated: 2021-09-06. Review status: criteria provided, single submitter. Criteria: ACMG Guidelines, 2015. Collection method: clinical testing. Allele origin: unknown.

NM_001458.5(FLNC):c.2008-6G>A

Gene: FLNC (filamin C; plus strand). Cytogenetic location: 7q32.1.
Variant type: single nucleotide variant.
Coding change: c.2008-6G>A on transcript NM_001458.5 (MANE Select); 6 bases into the intron before coding-DNA position 2008, G replaced by A.
Molecular consequence: intron variant.
Genome position (GRCh38, 1-based): chr7:128,841,448, G>A. VCF-style: chr7-128841448-G-A. GRCh37 (hg19) VCF-style: chr7-128481502-G-A.
Other names: c.2008-6G>A (NM_001127487.2).
Identifiers: ClinVar variation 1013011 (VCV001013011.20), dbSNP rs577813339, ClinGen allele CA4474565.